The following is an entry in ClinVar:

ClinVar aggregate classification (germline): Uncertain significance (1 of 4 stars; one submission).

Conditions:
Autoimmune interstitial lung disease-arthritis syndrome. Also called: Autoinflammation and autoimmunity, systemic, with immune dysregulation. Identifiers: Orphanet 444092, MedGen C5975714, MONDO:0014629.

Allele frequency attached by ClinVar (database versions not stated): gnomAD 0.00001.
gnomAD v4.1: 1 of 1,614,038 alleles (0.000062%); highest among the groups gnomAD compares: Non-Finnish European, 0.000085%; no homozygotes.

Submission:

Labcorp Genetics (formerly Invitae), Labcorp
Classification: Uncertain significance for Autoimmune interstitial lung disease-arthritis syndrome. Last evaluated: 2023-10-13. Review status: criteria provided, single submitter. Criteria: Invitae Variant Classification Sherloc (09022015). Collection method: clinical testing. Allele origin: germline.
Comment: This sequence change replaces leucine, which is neutral and non-polar, with valine, which is neutral and non-polar, at codon 651 of the COPA protein (p.Leu651Val). This variant is present in population databases (no rsID available, gnomAD 0.007%). This variant has not been reported in the literature in individuals affected with COPA-related conditions. Advanced modeling of protein sequence and biophysical properties (such as structural, functional, and spatial information, amino acid conservation, physicochemical variation, residue mobility, and thermodynamic stability) performed at Invitae indicates that this missense variant is expected to disrupt COPA protein function. In summary, the available evidence is currently insufficient to determine the role of this variant in disease. Therefore, it has been classified as a Variant of Uncertain Significance.

NM_004371.4(COPA):c.1951C>G (p.Leu651Val)

Gene: COPA (coat protein complex I subunit alpha; minus strand). Cytogenetic location: 1q23.2.
Variant type: single nucleotide variant.
Coding change: c.1951C>G on transcript NM_004371.4 (MANE Select); coding-DNA position 1951, C replaced by G.
Protein change: p.Leu651Val; replaces leucine 651 with valine.
Molecular consequence: missense variant.
Genome position (GRCh38, 1-based): chr1:160,298,871, G>C on the plus strand (C>G on the coding strand, the complement: COPA is on the minus strand). VCF-style: chr1-160298871-G-C. GRCh37 (hg19) VCF-style: chr1-160268661-G-C.
Other names: c.1978C>G, p.Leu660Val (NM_001098398.2); short protein forms L660V, L651V.
Identifiers: ClinVar variation 2877294 (VCV002877294.3), dbSNP rs1412145355, ClinGen allele CA343280243.
Genomic context (GRCh38, chr1:160,298,871, plus strand): 5'-GACAATATGGGGCTGATGACCATATTCCTCTCACCTCAATGTTTCCACACTCCAGTGCCA[G>C]ACTAAAGCGAGTTTTCTCATCCTTGACAAAATGCAGTGCCACTTCAGGATAGCCCTTCTT-3'
Protein context (NP_004362.2, residues 641-661): FVKDEKTRFS[Leu651Val]ALECGNIEIA